The following is an entry in ClinVar:

ClinVar aggregate classification (germline): Conflicting classifications of pathogenicity. Review status: criteria provided, conflicting classifications (1 of 4 stars). 4 submissions from 4 submitters: Likely pathogenic (1); Uncertain significance (3). Last evaluated 2026-03-19.

Conditions:
Progressive sclerosing poliodystrophy (MTDPS4A). Also called: ALPERS PROGRESSIVE INFANTILE POLIODYSTROPHY; Alpers Syndrome; Mitochondrial DNA Depletion Syndrome 4A; Alpers-Huttenlocher Syndrome (AHS); NEURONAL DEGENERATION OF CHILDHOOD WITH LIVER DISEASE, PROGRESSIVE; ALPERS DIFFUSE DEGENERATION OF CEREBRAL GRAY MATTER WITH HEPATIC CIRRHOSIS. Identifiers: Orphanet 726, MedGen C0205710, MONDO:0008758, OMIM 203700.

Allele frequency attached by ClinVar (database versions not stated): gnomAD exomes 0.00003 and 0.00001; gnomAD 0.00002 and 0.00001; 1000 Genomes Project 30x 0.00016; TOPMed below 0.00001.
gnomAD v4.1: 8 of 1,535,024 alleles (0.00052%); highest among the groups gnomAD compares: Admixed American, 0.016%; no homozygotes.

Submissions (4):

GeneDx
Classification: Likely pathogenic. Last evaluated: 2026-03-19. Review status: criteria provided, single submitter. Criteria: GeneDx Variant Classification Process June 2021. Collection method: clinical testing. Allele origin: germline.
Comment: Has not been previously published as pathogenic or benign to our knowledge; Initiation codon variant in a gene for which loss of function is a known mechanism of disease; This variant is associated with the following publications: (PMID: 31665838)

Labcorp Genetics (formerly Invitae), Labcorp
Classification: Uncertain significance for Progressive sclerosing poliodystrophy. Last evaluated: 2025-10-10. Review status: criteria provided, single submitter. Criteria: Invitae Variant Classification Sherloc (09022015). Collection method: clinical testing. Allele origin: germline.
Comment: This sequence change affects the initiator codon of the POLG mRNA. This change may impact translation initiation or efficiency. The next in-frame methionine is located at codon 78. This variant is present in population databases (rs201786897, gnomAD 0.02%). Disruption of the initiator codon has been observed in individual(s) with Alpers syndrome (PMID: 31665838). ClinVar contains an entry for this variant (Variation ID: 528383). In summary, the available evidence is currently insufficient to determine the role of this variant in disease. Therefore, it has been classified as a Variant of Uncertain Significance.

Mayo Clinic Laboratories, Mayo Clinic
Classification: Uncertain significance. Last evaluated: 2024-01-04. Review status: criteria provided, single submitter. Criteria: ACMG Guidelines, 2015. Collection method: clinical testing. Allele origin: germline. Observed: 1 variant allele.
Comment: PM2_moderate, PVS1_moderate

Baylor Genetics
Classification: Uncertain significance for Progressive sclerosing poliodystrophy. Last evaluated: 2019-02-26. Review status: criteria provided, single submitter. Criteria: ACMG Guidelines, 2015. Collection method: clinical testing. Allele origin: maternal. Affected: yes.
Comment: This variant was determined to be of uncertain significance according to ACMG Guidelines, 2015 [PMID:25741868].

Literature cited by the submitters: PubMed 31665838 (cited by Labcorp Genetics (formerly Invitae), Labcorp).

NM_002693.3(POLG):c.1A>G (p.Met1Val)

Genes: POLG (DNA polymerase gamma, catalytic subunit; minus strand), POLGARF (POLG alternative reading frame; minus strand). Cytogenetic location: 15q26.1.
Variant type: single nucleotide variant.
Coding change: c.1A>G on transcript NM_002693.3 (MANE Select); coding-DNA position 1, A replaced by G.
Protein change: p.Met1Val; changes the start codon (methionine 1).
Molecular consequence: missense variant, initiator codon variant.
Genome position (GRCh38, 1-based): chr15:89,333,754, T>C on the plus strand (A>G on the coding strand, the complement: POLG is on the minus strand). VCF-style: chr15-89333754-T-C. GRCh37 (hg19) VCF-style: chr15-89876985-T-C.
Other names: p.Met1?; c.1A>G, p.Met1Val (NM_001126131.2); short protein forms M1V.
Identifiers: ClinVar variation 528383 (VCV000528383.13), dbSNP rs201786897, ClinGen allele CA274566852.